The following is an entry in ClinVar:

NM_153033.5(KCTD7):c.140A>G (p.Gln47Arg)

Genes: KCTD7 (potassium channel tetramerization domain containing 7; plus strand), LOC129998533 (ATAC-STARR-seq lymphoblastoid silent region 18210; plus strand). Cytogenetic location: 7q11.21.
Variant type: single nucleotide variant.
Coding change: c.140A>G on transcript NM_153033.5 (MANE Select); coding-DNA position 140, A replaced by G.
Protein change: p.Gln47Arg; replaces glutamine 47 with arginine.
Molecular consequence: missense variant.
Genome position (GRCh38, 1-based): chr7:66,629,204, A>G. VCF-style: chr7-66629204-A-G. GRCh37 (hg19) VCF-style: chr7-66094191-A-G.
Other names: p.Q47R:CAG>CGG; c.140A>G, p.Gln47Arg (NM_001167961.2); short protein forms Q47R.
Identifiers: ClinVar variation 206014 (VCV000206014.2), dbSNP rs796052687, ClinGen allele CA315691.
Genomic context (GRCh38, chr7:66,629,204, plus strand): 5'-TTCTGGAGCCGGCCACGCCGACGGCCACGCAGGCGGGGCACGCGCTGCCCCTGCTGCCAC[A>G]GGAGGTACCCGGGCGGGCGGCGGGCCGCGGGGCGTGGGGAGGGGCGCGGGGGAGAAGCGG-3'
Protein context (NP_694578.1, residues 37-57): QAGHALPLLP[Gln47Arg]EFPEVVPLNI

ClinVar aggregate classification (germline): Uncertain significance (1 of 4 stars; one submission).

Allele frequency attached by ClinVar (database versions not stated): TOPMed below 0.00001.

Submission:

GeneDx
Classification: Uncertain significance. Last evaluated: 2014-12-10. Review status: criteria provided, single submitter. Criteria: GeneDx Variant Classification (06012015). Collection method: clinical testing. Allele origin: germline. Affected: yes.
Comment: p.Gln47Arg (CAG>CGG): c.140 A>G in exon 1 of the KCTD7 gene (NM_153033.4) has been identified in the KCTD7 gene. The Q47R variant has not been published as a mutation, nor has it been reported as a benign polymorphism to our knowledge. It was not observed in approximately 5,600 individuals of European and African American ancestry in the NHLBI Exome Sequencing Project, indicating it is not a common benign variant in these populations. This substitution occurs at a position that is conserved through mammals. The Q47R variant is a semi-conservative amino acid substitution, which may impact secondary protein structure as these residues differ in some properties. In silico analysis is inconsistent in its predictions as to whether or not the variant is damaging to the protein structure/function. Therefore, based on the currently available information, it is unclear whether this variant is a pathogenic mutation or a rare benign variant. The variant is found in EPILEPSY panel(s).